The following is an entry in ClinVar:

NM_000257.4(MYH7):c.5423G>A (p.Gly1808Asp)

Gene: MYH7 (myosin heavy chain 7; minus strand). Cytogenetic location: 14q11.2.
Variant type: single nucleotide variant.
Coding change: c.5423G>A on transcript NM_000257.4 (MANE Select); coding-DNA position 5423, G replaced by A.
Protein change: p.Gly1808Asp; replaces glycine 1808 with aspartic acid.
Molecular consequence: missense variant.
Genome position (GRCh38, 1-based): chr14:23,415,131, C>T on the plus strand (G>A on the coding strand, the complement: MYH7 is on the minus strand). VCF-style: chr14-23415131-C-T. GRCh37 (hg19) VCF-style: chr14-23884340-C-T.
Other names: c.5423G>A, p.Gly1808Asp (NM_001407004.1); short protein forms G1808D.
Identifiers: ClinVar variation 1747452 (VCV001747452.3), dbSNP rs45594737, ClinGen allele CA389035466.

ClinVar aggregate classification (germline): Uncertain significance (1 of 4 stars; one submission).

Conditions:
Cardiovascular phenotype. Identifiers: MedGen CN230736.

Allele frequency attached by ClinVar (database versions not stated): TOPMed below 0.00001.

Submission:

Ambry Genetics
Classification: Uncertain significance for Cardiovascular phenotype. Last evaluated: 2025-04-02. Review status: criteria provided, single submitter. Criteria: Ambry Variant Classification Scheme 2023. Collection method: clinical testing. Allele origin: germline.
Comment: The p.G1808D variant (also known as c.5423G>A), located in coding exon 35 of the MYH7 gene, results from a G to A substitution at nucleotide position 5423. The glycine at codon 1808 is replaced by aspartic acid, an amino acid with similar properties. This variant was reported in individual(s) with features consistent with hypertrophic cardiomyopathy (Ambry internal data). This amino acid position is highly conserved in available vertebrate species. In addition, this alteration is predicted to be deleterious by in silico analysis. Based on the available evidence, the clinical significance of this variant remains unclear.